The following is an entry in ClinVar:

NM_182710.3(KAT5):c.1359G>T (p.Gln453His)

Genes: KAT5 (lysine acetyltransferase 5; plus strand), RNASEH2C (ribonuclease H2 subunit C; minus strand). Cytogenetic location: 11q13.1.
Variant type: single nucleotide variant.
Coding change: c.1359G>T on transcript NM_182710.3 (MANE Select); coding-DNA position 1359, G replaced by T.
Protein change: p.Gln453His; replaces glutamine 453 with histidine.
Molecular consequence: missense variant. On other transcripts: 3 prime UTR variant (1).
Genome position (GRCh38, 1-based): chr11:65,718,684, G>T. VCF-style: chr11-65718684-G-T. GRCh37 (hg19) VCF-style: chr11-65486155-G-T.
Other names: c.1203G>T, p.Gln401His (NM_001206833.2); c.1260G>T, p.Gln420His (NM_006388.4); c.1104G>T, p.Gln368His (NM_182709.3); c.*1099C>A (NM_032193.4); short protein forms Q368H, Q401H, Q420H, Q453H.
Identifiers: ClinVar variation 5020920 (VCV005020920.1).

ClinVar aggregate classification (germline): Uncertain significance (1 of 4 stars; one submission).

Submission:

Dasa
Classification: Uncertain significance. Last evaluated: 2026-07-30. Review status: criteria provided, single submitter. Criteria: DASA Assertion Criteria. Collection method: clinical testing. Allele origin: germline.
Comment: NM_182710.3(KAT5):c.1359G>T (p.Gln453His) is a missense variant that results in the substitution of glutamine with histidine. The affected residue or protein region has prior evidence supporting clinical relevance. This variant is absent from population databases. The currently available literature and clinical evidence are not sufficient to establish a definitive association between this variant and the reported condition. Therefore, this variant is classified as a variant of uncertain significance.